The following is an entry in ClinVar:

NM_018249.6(CDK5RAP2):c.4129G>A (p.Asp1377Asn)

Gene: CDK5RAP2 (CDK5 regulatory subunit associated protein 2; minus strand). Cytogenetic location: 9q33.2.
Variant type: single nucleotide variant.
Coding change: c.4129G>A on transcript NM_018249.6 (MANE Select); coding-DNA position 4129, G replaced by A.
Protein change: p.Asp1377Asn; replaces aspartic acid 1377 with asparagine.
Molecular consequence: missense variant. On other transcripts: non-coding transcript variant (5).
Genome position (GRCh38, 1-based): chr9:120,419,836, C>T on the plus strand (G>A on the coding strand, the complement: CDK5RAP2 is on the minus strand). VCF-style: chr9-120419836-C-T. GRCh37 (hg19) VCF-style: chr9-123182114-C-T.
Other names: c.4129G>A, p.Asp1377Asn (NM_001011649.3); c.3439G>A, p.Asp1147Asn (NM_001272039.2); c.4030G>A, p.Asp1344Asn (NM_001410992.1); c.4033G>A, p.Asp1345Asn (NM_001410993.1); c.4126G>A, p.Asp1376Asn (NM_001410994.1); c.4129G>A (NM_018249.4); short protein forms D1376N, D1344N, D1377N, D1147N, D1345N.
Identifiers: ClinVar variation 1972026 (VCV001972026.4), dbSNP rs747188549, ClinGen allele CA5213655.
Genomic context (GRCh38, chr9:120,419,836, plus strand): 5'-GGCTTAGCTTACCTTGAGAAAAACTGTTCACCATAACTGAAGTCTTCTCTGTCTCATTAT[C>T]TTGCTTCTGGTCTCGTGAGAAGAAGGACTTTTCAGATGTTTCATAATCAGAGAGCGCATG-3'
Protein context (NP_060719.4, residues 1367-1387): KSFFSRDQKQ[Asp1377Asn]NETEKTSVMV

ClinVar aggregate classification (germline): Uncertain significance. Review status: criteria provided, multiple submitters, no conflicts (2 of 4 stars). 2 submissions from 2 submitters: Uncertain significance (2). Last evaluated 2025-07-23.

Allele frequency attached by ClinVar (database versions not stated): gnomAD exomes 0.00003; ExAC 0.00005; gnomAD 0.00005; TOPMed 0.00001.
gnomAD v4.1: 57 of 1,613,916 alleles (0.0035%); highest among the groups gnomAD compares: Admixed American, 0.015%; no homozygotes.

Submissions (2):

GeneDx
Classification: Uncertain significance. Last evaluated: 2025-07-23. Review status: criteria provided, single submitter. Criteria: GeneDx Variant Classification Process June 2021. Collection method: clinical testing. Allele origin: germline. Affected: yes.
Comment: In silico analysis supports that this missense variant has a deleterious effect on protein structure/function; Has not been previously published as pathogenic or benign to our knowledge

Labcorp Genetics (formerly Invitae), Labcorp
Classification: Uncertain significance. Last evaluated: 2023-04-14. Review status: criteria provided, single submitter. Criteria: Invitae Variant Classification Sherloc (09022015). Collection method: clinical testing. Allele origin: germline.
Comment: In summary, the available evidence is currently insufficient to determine the role of this variant in disease. Therefore, it has been classified as a Variant of Uncertain Significance. An algorithm developed to predict the effect of missense changes on protein structure and function (PolyPhen-2) suggests that this variant¬† is likely to be tolerated. ClinVar contains an entry for this variant (Variation ID: 1972026). This variant has not been reported in the literature in individuals affected with CDK5RAP2-related conditions. This variant is present in population databases (rs747188549, gnomAD 0.04%). This sequence change replaces aspartic acid, which is acidic and polar, with asparagine, which is neutral and polar, at codon 1377 of the CDK5RAP2 protein (p.Asp1377Asn).